The following is an entry in ClinVar:

ClinVar aggregate classification (germline): Conflicting classifications of pathogenicity. Review status: criteria provided, conflicting classifications (1 of 4 stars). 6 submissions from 5 submitters: Uncertain significance (2); Likely benign (4). Last evaluated 2024-06-05.

Conditions:
Hereditary cancer-predisposing syndrome. Also called: Hereditary Cancer Syndrome; Neoplastic Syndromes, Hereditary; Hereditary neoplastic syndrome; Tumor predisposition. Identifiers: Orphanet 140162, MedGen C0027672, MeSH D009386, MONDO:0015356.
Hereditary breast ovarian cancer syndrome. Also called: Hereditary breast and ovarian cancer syndrome (HBOC); Hereditary breast and ovarian cancer syndrome; Breast and ovarian cancer; Hereditary breast and/or ovarian cancer syndrome; BRCA1- and BRCA2-Associated Hereditary Breast and Ovarian Cancer; Hereditary breast and ovarian cancer. Identifiers: Orphanet 145, MedGen C0677776, MeSH D061325, MONDO:0003582. Disease mechanism: loss of function.
Fanconi anemia complementation group D1. Also called: BRCA2-Related Fanconi Anemia. Identifiers: Orphanet 319462, MedGen C1838457, MONDO:0011584, OMIM 605724.
Breast-ovarian cancer, familial, susceptibility to, 2 (BROVCA2). Also called: BRCA2 Hereditary Breast and Ovarian Cancer. Identifiers: Orphanet 145, MedGen C2675520, MONDO:0012933, OMIM 612555. Disease mechanism: loss of function.

Allele frequency attached by ClinVar (database versions not stated): gnomAD exomes below 0.00001.
gnomAD v4.1: 2 of 1,590,910 alleles (0.00013%); highest among the groups gnomAD compares: Admixed American, 0.0018%; no homozygotes.

Submissions (6):

Labcorp Genetics (formerly Invitae), Labcorp
Classification: Likely benign for Hereditary breast ovarian cancer syndrome. Last evaluated: 2024-06-05. Review status: criteria provided, single submitter. Criteria: Invitae Variant Classification Sherloc (09022015). Collection method: clinical testing. Allele origin: germline.

All of Us Research Program, National Institutes of Health
Classification: Likely benign for Breast-ovarian cancer, familial, susceptibility to, 2. Last evaluated: 2023-11-30. Review status: criteria provided, single submitter. Criteria: ACMG Guidelines, 2015. Collection method: clinical testing. Allele origin: germline. Inheritance: Autosomal dominant inheritance. Observed: 2 variant alleles, 2 heterozygotes.
Comment: This study involves interpretation of variants in research participants for the purpose of population health screening. Participant phenotype was not available at the time of variant classification. Additional details can be found in publication PMID: 35346344, PMCID: PMC8962531

Color Diagnostics, LLC DBA Color Health
Classification: Likely benign for Hereditary cancer-predisposing syndrome. Last evaluated: 2018-10-30. Review status: criteria provided, single submitter. Criteria: ACMG Guidelines, 2015. Collection method: clinical testing. Allele origin: germline.

Illumina Laboratory Services, Illumina
Classification: Uncertain significance for Breast-ovarian cancer, familial, susceptibility to, 2. Last evaluated: 2017-04-27. Review status: criteria provided, single submitter. Criteria: ICSL Variant Classification Criteria 13 December 2019. Collection method: clinical testing. Allele origin: germline.

Illumina Laboratory Services, Illumina
Classification: Uncertain significance for Fanconi anemia complementation group D1. Last evaluated: 2017-04-27. Review status: criteria provided, single submitter. Criteria: ICSL Variant Classification Criteria 13 December 2019. Collection method: clinical testing. Allele origin: germline.

Ambry Genetics
Classification: Likely benign for Hereditary cancer-predisposing syndrome. Last evaluated: 2016-01-02. Review status: criteria provided, single submitter. Criteria: Ambry Variant Classification Scheme 2023. Collection method: clinical testing. Allele origin: germline.

NM_000059.4(BRCA2):c.942A>G (p.Lys314=)

Gene: BRCA2 (BRCA2 DNA repair associated; plus strand). Cytogenetic location: 13q13.1.
Variant type: single nucleotide variant.
Coding change: c.942A>G on transcript NM_000059.4 (MANE Select); coding-DNA position 942, A replaced by G.
Protein change: p.Lys314=; no amino-acid change (lysine 314 retained).
Molecular consequence: synonymous variant.
Genome position (GRCh38, 1-based): chr13:32,332,420, A>G. VCF-style: chr13-32332420-A-G. GRCh37 (hg19) VCF-style: chr13-32906557-A-G.
Identifiers: ClinVar variation 823246 (VCV000823246.13), dbSNP rs1384322636, ClinGen allele CA483436358.